The following is an entry in ClinVar:

ClinVar aggregate classification (germline): Uncertain significance. Review status: criteria provided, multiple submitters, no conflicts (2 of 4 stars). 2 submissions from 2 submitters: Uncertain significance (2). Last evaluated 2025-10-09.

Allele frequency attached by ClinVar (database versions not stated): gnomAD exomes 0.00005 and 0.00008; ExAC 0.00006; gnomAD 0.00009; TOPMed 0.00011.
gnomAD v4.1: 89 of 1,610,492 alleles (0.0055%); highest among the groups gnomAD compares: Middle Eastern, 0.033%; no homozygotes.

Submissions (2):

Labcorp Genetics (formerly Invitae), Labcorp
Classification: Uncertain significance. Last evaluated: 2025-10-09. Review status: criteria provided, single submitter. Criteria: Invitae Variant Classification Sherloc (09022015). Collection method: clinical testing. Allele origin: germline.
Comment: This sequence change replaces serine, which is neutral and polar, with leucine, which is neutral and non-polar, at codon 12 of the SLC25A32 protein (p.Ser12Leu). This variant is present in population databases (rs765910763, gnomAD 0.02%). This variant has not been reported in the literature in individuals affected with SLC25A32-related conditions. ClinVar contains an entry for this variant (Variation ID: 1438121). An algorithm developed to predict the effect of missense changes on protein structure and function (PolyPhen-2) suggests that this variant is likely to be tolerated. In summary, the available evidence is currently insufficient to determine the role of this variant in disease. Therefore, it has been classified as a Variant of Uncertain Significance.

Ambry Genetics
Classification: Uncertain significance. Last evaluated: 2023-12-08. Review status: criteria provided, single submitter. Criteria: Ambry Variant Classification Scheme 2023. Collection method: clinical testing. Allele origin: germline.

NM_030780.5(SLC25A32):c.35C>T (p.Ser12Leu)

Gene: SLC25A32 (solute carrier family 25 member 32; minus strand). Cytogenetic location: 8q22.3.
Variant type: single nucleotide variant.
Coding change: c.35C>T on transcript NM_030780.5 (MANE Select); coding-DNA position 35, C replaced by T.
Protein change: p.Ser12Leu; replaces serine 12 with leucine.
Molecular consequence: missense variant. On other transcripts: non-coding transcript variant (2).
Genome position (GRCh38, 1-based): chr8:103,414,903, G>A on the plus strand (C>T on the coding strand, the complement: SLC25A32 is on the minus strand). VCF-style: chr8-103414903-G-A. GRCh37 (hg19) VCF-style: chr8-104427131-G-A.
Other names: c.35C>T (NM_030780.3); short protein forms S12L.
Identifiers: ClinVar variation 1438121 (VCV001438121.7), dbSNP rs765910763, ClinGen allele CA4835595.